The following is an entry in ClinVar:

ClinVar aggregate classification (germline): Uncertain significance (1 of 4 stars; one submission).

Conditions:
Neuropathy, hereditary sensory and autonomic, type 2A (HSAN2A). Also called: WNK1-Related HSAN2 (HSAN2A); ACROOSTEOLYSIS, NEUROGENIC; ACROOSTEOLYSIS, GIACCAI TYPE; MORVAN DISEASE; NEUROPATHY, CONGENITAL SENSORY; NEUROPATHY, HEREDITARY SENSORY RADICULAR, AUTOSOMAL RECESSIVE. Identifiers: Orphanet 970, MedGen C2752089, MONDO:0024309, OMIM 201300.
Generalized epilepsy with febrile seizures plus, type 7 (GEFSP7). Also called: GEFS+, TYPE 7. Identifiers: Orphanet 36387, MedGen C2751778, MONDO:0013470, OMIM 613863.

gnomAD v4.1: 1 of 1,555,224 alleles (0.000064%); highest among the groups gnomAD compares: South Asian, 0.0012%; no homozygotes.

Submission:

Labcorp Genetics (formerly Invitae), Labcorp
Classification: Uncertain significance for Neuropathy, hereditary sensory and autonomic, type 2A; Generalized epilepsy with febrile seizures plus, type 7. Last evaluated: 2021-03-01. Review status: criteria provided, single submitter. Criteria: Invitae Variant Classification Sherloc (09022015). Collection method: clinical testing. Allele origin: germline.
Comment: This sequence change replaces glycine with valine at codon 1162 of the SCN9A protein (p.Gly1162Val). The glycine residue is highly conserved and there is a moderate physicochemical difference between glycine and valine. This variant is not present in population databases (ExAC no frequency). This variant has not been reported in the literature in individuals with SCN9A-related conditions. Algorithms developed to predict the effect of missense changes on protein structure and function are either unavailable or do not agree on the potential impact of this missense change (SIFT: "Tolerated"; PolyPhen-2: "Probably Damaging"; Align-GVGD: "Class C0"). In summary, the available evidence is currently insufficient to determine the role of this variant in disease. Therefore, it has been classified as a Variant of Uncertain Significance.

NM_001365536.1(SCN9A):c.3518G>T (p.Gly1173Val)

Genes: SCN9A (sodium voltage-gated channel alpha subunit 9; minus strand), SCN1A-AS1 (SCN1A and SCN9A antisense RNA 1; plus strand). Cytogenetic location: 2q24.3.
Variant type: single nucleotide variant.
Coding change: c.3518G>T on transcript NM_001365536.1 (MANE Select); coding-DNA position 3518, G replaced by T.
Protein change: p.Gly1173Val; replaces glycine 1173 with valine.
Molecular consequence: missense variant.
Genome position (GRCh38, 1-based): chr2:166,242,611, C>A on the plus strand (G>T on the coding strand, the complement: SCN9A is on the minus strand). VCF-style: chr2-166242611-C-A. GRCh37 (hg19) VCF-style: chr2-167099121-C-A.
Other names: c.3485G>T, p.Gly1162Val (NM_002977.4); short protein forms G1173V, G1162V.
Identifiers: ClinVar variation 1437793 (VCV001437793.8), dbSNP rs764060579, ClinGen allele CA349070556.